The following is an entry in ClinVar:

ClinVar aggregate classification (germline): Uncertain significance (1 of 4 stars; one submission).

Submission:

Labcorp Genetics (formerly Invitae), Labcorp
Classification: Uncertain significance. Last evaluated: 2022-02-24. Review status: criteria provided, single submitter. Criteria: Invitae Variant Classification Sherloc (09022015). Collection method: clinical testing. Allele origin: germline.
Comment: Advanced modeling of protein sequence and biophysical properties (such as structural, functional, and spatial information, amino acid conservation, physicochemical variation, residue mobility, and thermodynamic stability) performed at Invitae indicates that this missense variant is not expected to disrupt WFS1 protein function. In summary, the available evidence is currently insufficient to determine the role of this variant in disease. Therefore, it has been classified as a Variant of Uncertain Significance. This variant has not been reported in the literature in individuals affected with WFS1-related conditions. This variant is not present in population databases (gnomAD no frequency). This sequence change replaces tyrosine, which is neutral and polar, with cysteine, which is neutral and slightly polar, at codon 652 of the WFS1 protein (p.Tyr652Cys).

NM_006005.3(WFS1):c.1955A>G (p.Tyr652Cys)

Gene: WFS1 (wolframin ER transmembrane glycoprotein; plus strand). Cytogenetic location: 4p16.1.
Variant type: single nucleotide variant.
Coding change: c.1955A>G on transcript NM_006005.3 (MANE Select); coding-DNA position 1955, A replaced by G.
Protein change: p.Tyr652Cys; replaces tyrosine 652 with cysteine.
Molecular consequence: missense variant.
Genome position (GRCh38, 1-based): chr4:6,301,750, A>G. VCF-style: chr4-6301750-A-G. GRCh37 (hg19) VCF-style: chr4-6303477-A-G.
Other names: c.1955A>G, p.Tyr652Cys (NM_001145853.1); short protein forms Y652C.
Identifiers: ClinVar variation 1371289 (VCV001371289.6), dbSNP rs912984901, ClinGen allele CA91796714.